The following is an entry in ClinVar:

ClinVar aggregate classification (germline): Likely benign. Review status: criteria provided, multiple submitters, no conflicts (2 of 4 stars). 3 submissions from 3 submitters: Likely benign (2). 1 of the submissions does not count toward it. Last evaluated 2025-08-18.

Conditions:
Familial thoracic aortic aneurysm and aortic dissection (TAAD). Also called: Thoracic aortic aneurysms and dissections. Identifiers: Orphanet 91387, MedGen C4707243, MONDO:0019625.
NOTCH1-related disorder. Also called: NOTCH1-related condition; NOTCH1-related disorders.
Adams-Oliver syndrome 5 (AOS5). Identifiers: Orphanet 974, MedGen C4014970, MONDO:0014459, OMIM 616028.

Allele frequency attached by ClinVar (database versions not stated): gnomAD 0.00002; ExAC 0.00003; TOPMed 0.00003.
gnomAD v4.1: 32 of 1,610,970 alleles (0.002%); highest among the groups gnomAD compares: East Asian, 0.018%; no homozygotes.

Submissions (3):

Labcorp Genetics (formerly Invitae), Labcorp
Classification: Likely benign for Adams-Oliver syndrome 5. Last evaluated: 2025-08-18. Review status: criteria provided, single submitter. Criteria: Invitae Variant Classification Sherloc (09022015). Collection method: clinical testing. Allele origin: germline.

Ambry Genetics
Classification: Likely benign for Familial thoracic aortic aneurysm and aortic dissection. Last evaluated: 2024-01-27. Review status: criteria provided, single submitter. Criteria: Ambry Variant Classification Scheme 2023. Collection method: clinical testing. Allele origin: germline.

PreventionGenetics, part of Exact Sciences
Classification: Likely benign for NOTCH1-related condition. Last evaluated: 2019-07-01. Review status: no assertion criteria provided. Collection method: clinical testing. Allele origin: germline. Not counted in ClinVar's aggregate classification.
Comment: This variant is classified as likely benign based on ACMG/AMP sequence variant interpretation guidelines (Richards et al. 2015 PMID: 25741868, with internal and published modifications).

NM_017617.5(NOTCH1):c.363G>A (p.Thr121=)

Gene: NOTCH1 (notch receptor 1; minus strand). Cytogenetic location: 9q34.3.
Variant type: single nucleotide variant.
Coding change: c.363G>A on transcript NM_017617.5 (MANE Select); coding-DNA position 363, G replaced by A.
Protein change: p.Thr121=; no amino-acid change (threonine 121 retained).
Molecular consequence: synonymous variant.
Genome position (GRCh38, 1-based): chr9:136,523,757, C>T on the plus strand (G>A on the coding strand, the complement: NOTCH1 is on the minus strand). VCF-style: chr9-136523757-C-T. GRCh37 (hg19) VCF-style: chr9-139418209-C-T.
Other names: c.363G>A (NM_017617.4, NM_017617.3).
Identifiers: ClinVar variation 1642564 (VCV001642564.11), dbSNP rs777400734, ClinGen allele CA5342197.
Genomic context (GRCh38, chr9:136,523,757, plus strand): 5'-GGCTGTGGGTCCTCCCTCACCTGACCAGCCGGGCGGGCAGCGGCACTTGTACTCCGTCAG[C>T]GTGAGCAGGTCGCAGGTGCCCCCGTTGCGGCAGGGGTTGGTGAGGCAGGCATTGTCCAGG-3'
Protein context (NP_060087.3, residues 111-131): CRNGGTCDLL[Thr121=]LTEYKCRCPP